The following is an entry in ClinVar:

NM_001267550.2(TTN):c.64685C>G (p.Pro21562Arg)

Genes: TTN (titin; minus strand), TTN-AS1 (TTN antisense RNA 1; plus strand). Cytogenetic location: 2q31.2.
Variant type: single nucleotide variant.
Coding change: c.64685C>G on transcript NM_001267550.2 (MANE Select); coding-DNA position 64685, C replaced by G.
Protein change: p.Pro21562Arg; replaces proline 21562 with arginine.
Molecular consequence: missense variant. On other transcripts: non-coding transcript variant (1).
Genome position (GRCh38, 1-based): chr2:178,584,956, G>C on the plus strand (C>G on the coding strand, the complement: TTN is on the minus strand). VCF-style: chr2-178584956-G-C. GRCh37 (hg19) VCF-style: chr2-179449683-G-C.
Other names: c.59762C>G, p.Pro19921Arg (NM_001256850.1); c.37490C>G, p.Pro12497Arg (NM_003319.4); c.56981C>G, p.Pro18994Arg (NM_133378.4); c.37865C>G, p.Pro12622Arg (NM_133432.3); c.38066C>G, p.Pro12689Arg (NM_133437.4); short protein forms P18994R, P19921R, P12689R, P12497R, P21562R, P12622R.
Identifiers: ClinVar variation 1734529 (VCV001734529.2), dbSNP rs1213776805, ClinGen allele CA349437351.

ClinVar aggregate classification (germline): Uncertain significance (1 of 4 stars; one submission).

Conditions:
Cardiovascular phenotype. Identifiers: MedGen CN230736.

Allele frequency attached by ClinVar (database versions not stated): gnomAD 0.00001; TOPMed 0.00002.
gnomAD v4.1: 1 of 1,612,994 alleles (0.000062%); highest among the groups gnomAD compares: African/African-American, 0.0013%; no homozygotes.

Submission:

Ambry Genetics
Classification: Uncertain significance for Cardiovascular phenotype. Last evaluated: 2019-11-20. Review status: criteria provided, single submitter. Criteria: Ambry Variant Classification Scheme 2023. Collection method: clinical testing. Allele origin: germline.
Comment: The p.P12497R variant (also known as c.37490C>G), located in coding exon 137 of the TTN gene, results from a C to G substitution at nucleotide position 37490. The proline at codon 12497 is replaced by arginine, an amino acid with dissimilar properties. This amino acid position is highly conserved in available vertebrate species. In addition, the in silico prediction for this alteration is inconclusive. Since supporting evidence is limited at this time, the clinical significance of this alteration remains unclear.